The following is an entry in ClinVar:

NM_000565.4(IL6R):c.548del (p.Gly183fs)

Gene: IL6R (interleukin 6 receptor; plus strand). Cytogenetic location: 1q21.3.
Variant type: Deletion.
Coding change: c.548del on transcript NM_000565.4 (MANE Select); coding-DNA position 548, one base deleted (G; older notation c.548delG).
Protein change: p.Gly183fs; shifts the reading frame from glycine 183.
Molecular consequence: frameshift variant.
Genome position (GRCh38, 1-based): chr1:154,434,608, G deleted; the last of 3 consecutive G bases (chr1:154,434,606-154,434,608); deleting any one gives the same sequence. VCF-style (leftmost placement, unchanged base first): chr1-154434605-AG-A. GRCh37 (hg19) VCF-style: chr1-154407081-AG-A.
Other names: c.548del, p.Gly183fs (NM_001206866.2, NM_001382769.1, NM_001382770.1 and 4 more transcripts); c.188del, p.Gly63fs (NM_001382774.1); short protein forms G183fs, G63fs.
Identifiers: ClinVar variation 973502 (VCV000973502.2), dbSNP rs1689501445, ClinGen allele CA1139656324.

ClinVar aggregate classification (germline): no classifications from unflagged records (0 of 4 stars; one submission).

Conditions:
Hyper-IgE recurrent infection syndrome 5, autosomal recessive. Also called: HYPER-IgE SYNDROME 5, AUTOSOMAL RECESSIVE, WITH RECURRENT INFECTIONS. Identifiers: MedGen C5394550, MONDO:0030069, OMIM 618944.

Submission:

OMIM
Classification: Pathogenic for HYPER-IgE SYNDROME 5, AUTOSOMAL RECESSIVE, WITH RECURRENT INFECTIONS. Last evaluated: 2023-10-05. Review status: flagged submission. Collection method: literature only. Allele origin: germline.
ClinVar note: Notes: Flagging candidate with reason of insufficient supporting evidence. This gene has been classified as having a limited gene-disease relationship by a ClinGen Expert Panel.
ClinVar note: Reason: P/LP classification for a variant in a gene with insufficient evidence for a gene-disease relationship

Literature cited by the submitters: PubMed 31235509.